The following is an entry in ClinVar:

ClinVar aggregate classification (germline): Uncertain significance. Review status: criteria provided, multiple submitters, no conflicts (2 of 4 stars). 4 submissions from 4 submitters: Uncertain significance (3). 1 of the submissions does not count toward it. Last evaluated 2026-08-13.

Conditions:
CFTR-related disorder (CFTR-RD). Also called: CFTR-related condition; CFTR-related disorders. Identifiers: MedGen C5924204, MONDO:7770004.
Cystic fibrosis (CF). Also called: MUCOVISCIDOSIS. Identifiers: Orphanet 586, MedGen C0010674, MONDO:0009061, OMIM 219700. Disease mechanism: loss of function.
Hereditary pancreatitis (PCTT). Also called: Hereditary chronic pancreatitis; PRSS1-Related Hereditary Pancreatitis. Identifiers: Orphanet 676, MedGen C0238339, MONDO:0008185, OMIM 167800.
Bronchiectasis with or without elevated sweat chloride 1 (BESC1). Also called: Cystic Fibrosis-Like Syndrome. Identifiers: Orphanet 60033, MedGen C2749757, MONDO:0008887, OMIM 211400.
Congenital bilateral aplasia of vas deferens from CFTR mutation (CBAVD). Identifiers: Orphanet 48, MedGen C0403814, MONDO:0010178, OMIM 277180. Disease mechanism: loss of function.

Allele frequency attached by ClinVar (database versions not stated): TOPMed below 0.00001; ExAC 0.00001; gnomAD exomes 0.00001.
gnomAD v4.1: 11 of 1,614,088 alleles (0.00068%); highest among the groups gnomAD compares: Non-Finnish European, 0.00093%; no homozygotes.

Submissions (4):

Ambry Genetics
Classification: Uncertain significance for Cystic fibrosis. Last evaluated: 2026-08-13. Review status: criteria provided, single submitter. Criteria: Ambry Variant Classification Scheme 2023. Collection method: clinical testing. Allele origin: germline.
Comment: The p.P936T variant (also known as c.2806C>A), located in coding exon 17 of the CFTR gene, results from a C to A substitution at nucleotide position 2806. The proline at codon 936 is replaced by threonine, an amino acid with highly similar properties. This amino acid position is highly conserved in available vertebrate species. In addition, this alteration is predicted to be deleterious by in silico analysis. Based on the available evidence, the clinical significance of this variant remains unclear.

Women's Health and Genetics/Laboratory Corporation of America, LabCorp
Classification: Uncertain significance. Last evaluated: 2026-06-23. Review status: criteria provided, single submitter. Criteria: LabCorp Variant Classification Summary - May 2015. Collection method: clinical testing. Allele origin: germline.
Comment: Variant summary: CFTR c.2806C>A (p.Pro936Thr) results in a non-conservative amino acid change in the encoded protein sequence. Algorithms developed to predict the effect of missense changes on protein structure and function all suggest that this variant is likely to be disruptive. The variant allele was found at a frequency of 8e-06 in 251402 control chromosomes. The available data on variant occurrences in the general population are insufficient to allow any conclusion about variant significance. c.2806C>A has been observed together with a second CFTR variant in an individual with poor weight gain, but no clinical diagnosis of cystic fibrosis or CFTR-related disorders (Poulou_2012). This report does not provide unequivocal conclusions about association of the variant with disease. To our knowledge, no experimental evidence demonstrating an impact on protein function has been reported. The following publication has been ascertained in the context of this evaluation (PMID: 22326559). ClinVar contains an entry for this variant (Variation ID: 495915). Based on the evidence outlined above, the variant was classified as uncertain significance.

Fulgent Genetics
Classification: Uncertain significance for Hereditary pancreatitis; Bronchiectasis with or without elevated sweat chloride 1; Cystic fibrosis; Congenital bilateral aplasia of vas deferens from CFTR mutation. Last evaluated: 2021-10-18. Review status: criteria provided, single submitter. Criteria: ACMG Guidelines, 2015. Collection method: clinical testing. Allele origin: unknown.

Natera, Inc.
Classification: Uncertain significance for CFTR-related disorders. Last evaluated: 2018-11-03. Review status: no assertion criteria provided. Collection method: clinical testing. Allele origin: germline. Not counted in ClinVar's aggregate classification.

Literature cited by the submitters: PubMed 22326559 (cited by Women's Health and Genetics/Laboratory Corporation of America, LabCorp).

NM_000492.4(CFTR):c.2806C>A (p.Pro936Thr)

Gene: CFTR (CF transmembrane conductance regulator; plus strand). Cytogenetic location: 7q31.2.
Variant type: single nucleotide variant.
Coding change: c.2806C>A on transcript NM_000492.4 (MANE Select); coding-DNA position 2806, C replaced by A.
Protein change: p.Pro936Thr; replaces proline 936 with threonine.
Molecular consequence: missense variant.
Genome position (GRCh38, 1-based): chr7:117,603,680, C>A. VCF-style: chr7-117603680-C-A. GRCh37 (hg19) VCF-style: chr7-117243734-C-A.
Other names: short protein forms P936T.
Identifiers: ClinVar variation 495915 (VCV000495915.5), dbSNP rs780528577, ClinGen allele CA4451290.